The following is an entry in ClinVar:

NM_012330.4(KAT6B):c.4372A>G (p.Thr1458Ala)

Gene: KAT6B (lysine acetyltransferase 6B; plus strand). Cytogenetic location: 10q22.2.
Variant type: single nucleotide variant.
Coding change: c.4372A>G on transcript NM_012330.4 (MANE Select); coding-DNA position 4372, A replaced by G.
Protein change: p.Thr1458Ala; replaces threonine 1458 with alanine.
Molecular consequence: missense variant.
Genome position (GRCh38, 1-based): chr10:75,029,196, A>G. VCF-style: chr10-75029196-A-G. GRCh37 (hg19) VCF-style: chr10-76788954-A-G.
Other names: c.3823A>G, p.Thr1275Ala (NM_001256468.2, NM_001370138.1); c.3496A>G, p.Thr1166Ala (NM_001256469.2, NM_001370139.1, NM_001370140.1 and 2 more transcripts); c.3334A>G, p.Thr1112Ala (NM_001370132.1); c.2683A>G, p.Thr895Ala (NM_001370133.1); c.2287A>G, p.Thr763Ala (NM_001370134.1); c.2029A>G, p.Thr677Ala (NM_001370135.1); c.4372A>G, p.Thr1458Ala (NM_001370136.1, NM_001370137.1); c.3307A>G, p.Thr1103Ala (NM_001370143.1, NM_001370144.1); short protein forms T1103A, T1112A, T1166A, T1275A, T1458A, T677A, T763A, T895A.
Identifiers: ClinVar variation 1714939 (VCV001714939.6), dbSNP rs2549201789, ClinGen allele CA377296825.
Genomic context (GRCh38, chr10:75,029,196, plus strand): 5'-GAAGTGGAGAAGGAAGAGCTGCCCAGAGAAAGCTTCAAAGAAGTACTGGAAAACCAGGAG[A>G]CTTTTTTAGACCTTAATGTGCAGCCTGGTCACTCGAACCCAGAGGTCTTAATGGACTGTG-3'
Protein context (NP_036462.2, residues 1448-1468): SFKEVLENQE[Thr1458Ala]FLDLNVQPGH

ClinVar aggregate classification (germline): Uncertain significance (1 of 4 stars; one submission).

Conditions:
Genitopatellar syndrome (GTPTS). Also called: Genitopatellar syndrome (GPS); ABSENT PATELLAE, SCROTAL HYPOPLASIA, RENAL ANOMALIES, FACIAL DYSMORPHISM, AND MENTAL RETARDATION. Identifiers: Orphanet 85201, MedGen C1853566, MONDO:0011640, OMIM 606170.

Submission:

Labcorp Genetics (formerly Invitae), Labcorp
Classification: Uncertain significance for Genitopatellar syndrome. Last evaluated: 2022-08-03. Review status: criteria provided, single submitter. Criteria: Invitae Variant Classification Sherloc (09022015). Collection method: clinical testing. Allele origin: germline.
Comment: In summary, the available evidence is currently insufficient to determine the role of this variant in disease. Therefore, it has been classified as a Variant of Uncertain Significance. Algorithms developed to predict the effect of missense changes on protein structure and function output the following: SIFT: "Tolerated"; PolyPhen-2: "Benign"; Align-GVGD: "Class C0". The alanine amino acid residue is found in multiple mammalian species, which suggests that this missense change does not adversely affect protein function. This variant has not been reported in the literature in individuals affected with KAT6B-related conditions. This variant is not present in population databases (gnomAD no frequency). This sequence change replaces threonine, which is neutral and polar, with alanine, which is neutral and non-polar, at codon 1458 of the KAT6B protein (p.Thr1458Ala).